The following is an entry in ClinVar:

ClinVar aggregate classification (germline): Uncertain significance (1 of 4 stars; one submission).

Conditions:
COG4-congenital disorder of glycosylation. Also called: COG4-CDG; CONGENITAL DISORDER OF GLYCOSYLATION, TYPE IIj; CDG IIj. Identifiers: Orphanet 263501, MedGen C4303552, MONDO:0013281, OMIM 613489.

Allele frequency attached by ClinVar (database versions not stated): gnomAD 0.00003; gnomAD exomes 0.00005; TOPMed 0.00011; 1000 Genomes Project 30x 0.00016; ExAC 0.00016; 1000 Genomes Project 0.00020.
gnomAD v4.1: 71 of 1,613,890 alleles (0.0044%); highest among the groups gnomAD compares: Admixed American, 0.068%; no homozygotes.

Submission:

Labcorp Genetics (formerly Invitae), Labcorp
Classification: Uncertain significance for COG4-congenital disorder of glycosylation. Last evaluated: 2025-06-12. Review status: criteria provided, single submitter. Criteria: Invitae Variant Classification Sherloc (09022015). Collection method: clinical testing. Allele origin: germline.
Comment: This sequence change replaces aspartic acid, which is acidic and polar, with asparagine, which is neutral and polar, at codon 677 of the COG4 protein (p.Asp677Asn). This variant is present in population databases (rs201489417, gnomAD 0.1%). This variant has not been reported in the literature in individuals affected with COG4-related conditions. ClinVar contains an entry for this variant (Variation ID: 2168011). Invitae Evidence Modeling of protein sequence and biophysical properties (such as structural, functional, and spatial information, amino acid conservation, physicochemical variation, residue mobility, and thermodynamic stability) indicates that this missense variant is not expected to disrupt COG4 protein function with a negative predictive value of 80%. In summary, the available evidence is currently insufficient to determine the role of this variant in disease. Therefore, it has been classified as a Variant of Uncertain Significance.

NM_015386.3(COG4):c.2029G>A (p.Asp677Asn)

Gene: COG4 (component of oligomeric golgi complex 4; minus strand). Cytogenetic location: 16q22.1.
Variant type: single nucleotide variant.
Coding change: c.2029G>A on transcript NM_015386.3 (MANE Select); coding-DNA position 2029, G replaced by A.
Protein change: p.Asp677Asn; replaces aspartic acid 677 with asparagine.
Molecular consequence: missense variant. On other transcripts: non-coding transcript variant (1).
Genome position (GRCh38, 1-based): chr16:70,481,841, C>T on the plus strand (G>A on the coding strand, the complement: COG4 is on the minus strand). VCF-style: chr16-70481841-C-T. GRCh37 (hg19) VCF-style: chr16-70515744-C-T.
Other names: c.1954G>A, p.Asp652Asn (NM_001195139.2); c.1603G>A, p.Asp535Asn (NM_001365426.1); short protein forms D535N, D677N, D652N.
Identifiers: ClinVar variation 2168011 (VCV002168011.4), dbSNP rs201489417, ClinGen allele CA8144074.